The following is an entry in ClinVar:

NM_000376.3(VDR):c.610A>C (p.Asn204His)

Gene: VDR (vitamin D receptor; minus strand). Cytogenetic location: 12q13.11.
Variant type: single nucleotide variant.
Coding change: c.610A>C on transcript NM_000376.3 (MANE Select); coding-DNA position 610, A replaced by C.
Protein change: p.Asn204His; replaces asparagine 204 with histidine.
Molecular consequence: missense variant.
Genome position (GRCh38, 1-based): chr12:47,855,775, T>G on the plus strand (A>C on the coding strand, the complement: VDR is on the minus strand). VCF-style: chr12-47855775-T-G. GRCh37 (hg19) VCF-style: chr12-48249558-T-G.
Other names: c.610A>C, p.Asn204His (NM_001017535.2, NM_001364085.2, NM_001374661.1 and 1 more transcripts); c.760A>C, p.Asn254His (NM_001017536.2); short protein forms N254H, N204H.
Identifiers: ClinVar variation 1387284 (VCV001387284.3), dbSNP rs1357475598, ClinGen allele CA384518537.
Genomic context (GRCh38, chr12:47,855,775, plus strand): 5'-GCTGGGACAGCTCTAGGGTCACAGAAGGGTCATCTGAATCTTCTTCACTCAGATCCAGAT[T>G]GGAGAAGCTGGACGAGTCCATCATGTCTGGGAGAGATGAGGGAAGAGAAGGAGCTATTTA-3'
Protein context (NP_000367.1, residues 194-214): SDMMDSSSFS[Asn204His]LDLSEEDSDD

ClinVar aggregate classification (germline): Uncertain significance (1 of 4 stars; one submission).

Submission:

Labcorp Genetics (formerly Invitae), Labcorp
Classification: Uncertain significance. Last evaluated: 2021-11-06. Review status: criteria provided, single submitter. Criteria: Invitae Variant Classification Sherloc (09022015). Collection method: clinical testing. Allele origin: germline.
Comment: This sequence change replaces asparagine, which is neutral and polar, with histidine, which is basic and polar, at codon 204 of the VDR protein (p.Asn204His). This variant is present in population databases (no rsID available, gnomAD 0.01%). This variant has not been reported in the literature in individuals affected with VDR-related conditions. Algorithms developed to predict the effect of missense changes on protein structure and function are either unavailable or do not agree on the potential impact of this missense change (SIFT: "Tolerated"; PolyPhen-2: "Possibly Damaging"; Align-GVGD: "Class C0"). In summary, the available evidence is currently insufficient to determine the role of this variant in disease. Therefore, it has been classified as a Variant of Uncertain Significance.